The following is an entry in ClinVar:

ClinVar aggregate classification (germline): Uncertain significance (1 of 4 stars; one submission).

Allele frequency attached by ClinVar (database versions not stated): 1000 Genomes Project 30x 0.00016; ExAC 0.00001; gnomAD 0.00004; 1000 Genomes Project 0.00020; gnomAD exomes 0.00001; TOPMed 0.00001.
gnomAD v4.1: 14 of 1,605,188 alleles (0.00087%); highest among the groups gnomAD compares: Admixed American, 0.022%; no homozygotes.

Submission:

Labcorp Genetics (formerly Invitae), Labcorp
Classification: Uncertain significance. Last evaluated: 2024-12-03. Review status: criteria provided, single submitter. Criteria: Invitae Variant Classification Sherloc (09022015). Collection method: clinical testing. Allele origin: germline.
Comment: This sequence change replaces glycine, which is neutral and non-polar, with serine, which is neutral and polar, at codon 991 of the DNA2 protein (p.Gly991Ser). This variant is not present in population databases (gnomAD no frequency). This variant has not been reported in the literature in individuals affected with DNA2-related conditions. ClinVar contains an entry for this variant (Variation ID: 2071501). Invitae Evidence Modeling of protein sequence and biophysical properties (such as structural, functional, and spatial information, amino acid conservation, physicochemical variation, residue mobility, and thermodynamic stability) has been performed for this missense variant. However, the output from this modeling did not meet the statistical confidence thresholds required to predict the impact of this variant on DNA2 protein function. Experimental studies have shown that this missense change affects DNA2 function (PMID: 25238049). In summary, the available evidence is currently insufficient to determine the role of this variant in disease. Therefore, it has been classified as a Variant of Uncertain Significance.

Literature cited by the submitters: PubMed 25238049.

NM_001080449.3(DNA2):c.2971G>A (p.Gly991Ser)

Gene: DNA2 (DNA replication helicase/nuclease 2; minus strand). Cytogenetic location: 10q21.3.
Variant type: single nucleotide variant.
Coding change: c.2971G>A on transcript NM_001080449.3 (MANE Select); coding-DNA position 2971, G replaced by A.
Protein change: p.Gly991Ser; replaces glycine 991 with serine.
Molecular consequence: missense variant. On other transcripts: non-coding transcript variant (1).
Genome position (GRCh38, 1-based): chr10:68,416,852, C>T on the plus strand (G>A on the coding strand, the complement: DNA2 is on the minus strand). VCF-style: chr10-68416852-C-T. GRCh37 (hg19) VCF-style: chr10-70176609-C-T.
Other names: short protein forms G991S.
Identifiers: ClinVar variation 2071501 (VCV002071501.4), dbSNP rs552381837, ClinGen allele CA5524690.
Genomic context (GRCh38, chr10:68,416,852, plus strand): 5'-GTTTATGTTTGGCTCTGGTTATAGCAACATTAAGACGTCGCCAATCTTTCAAGAGTTCAC[C>T]AACCTGTAAGAAATATAATTTTCAATTATTCAAGTTCAAAGGAATGGTTAAATATATTAC-3'
Protein context (NP_001073918.2, residues 981-1001): FVRSNKDGTV[Gly991Ser]ELLKDWRRLN